The following is an entry in ClinVar:

NM_032638.5(GATA2):c.1311G>A (p.Met437Ile)

Gene: GATA2 (GATA binding protein 2; minus strand). Cytogenetic location: 3q21.3.
Variant type: single nucleotide variant.
Coding change: c.1311G>A on transcript NM_032638.5 (MANE Select); coding-DNA position 1311, G replaced by A.
Protein change: p.Met437Ile; replaces methionine 437 with isoleucine.
Molecular consequence: missense variant.
Genome position (GRCh38, 1-based): chr3:128,481,151, C>T on the plus strand (G>A on the coding strand, the complement: GATA2 is on the minus strand). VCF-style: chr3-128481151-C-T. GRCh37 (hg19) VCF-style: chr3-128199994-C-T.
Other names: c.1311G>A, p.Met437Ile (NM_001145661.2); c.1269G>A, p.Met423Ile (NM_001145662.1); short protein forms M437I, M423I.
Identifiers: ClinVar variation 4028498 (VCV004028498.1).

ClinVar aggregate classification (germline): Uncertain significance (1 of 4 stars; one submission).

Conditions:
Inborn genetic diseases. Identifiers: MedGen C0950123, MeSH D030342.

Submission:

Ambry Genetics
Classification: Uncertain significance for Inborn genetic diseases. Last evaluated: 2025-05-01. Review status: criteria provided, single submitter. Criteria: Ambry Variant Classification Scheme 2023. Collection method: clinical testing. Allele origin: germline.
Comment: The p.M437I variant (also known as c.1311G>A), located in coding exon 5 of the GATA2 gene, results from a G to A substitution at nucleotide position 1311. The methionine at codon 437 is replaced by isoleucine, an amino acid with highly similar properties. This amino acid position is conserved. In addition, this alteration is predicted to be deleterious by in silico analysis. Based on the available evidence, the clinical significance of this variant remains unclear.